The following is an entry in ClinVar:

NM_201384.3(PLEC):c.9481G>C (p.Gly3161Arg)

Gene: PLEC (plectin; minus strand). Cytogenetic location: 8q24.3.
Variant type: single nucleotide variant.
Coding change: c.9481G>C on transcript NM_201384.3 (MANE Select); coding-DNA position 9481, G replaced by C.
Protein change: p.Gly3161Arg; replaces glycine 3161 with arginine.
Molecular consequence: missense variant.
Genome position (GRCh38, 1-based): chr8:143,920,340, C>G on the plus strand (G>C on the coding strand, the complement: PLEC is on the minus strand). VCF-style: chr8-143920340-C-G. GRCh37 (hg19) VCF-style: chr8-144994508-C-G.
Other names: c.9562G>C (NM_000445.3); c.9562G>C, p.Gly3188Arg (NM_000445.5); c.9439G>C, p.Gly3147Arg (NM_201378.4); c.9415G>C, p.Gly3139Arg (NM_201379.3); c.9892G>C, p.Gly3298Arg (NM_201380.4); c.9385G>C, p.Gly3129Arg (NM_201381.3); c.9481G>C, p.Gly3161Arg (NM_201382.4); c.9493G>C, p.Gly3165Arg (NM_201383.3); short protein forms G3129R, G3139R, G3161R, G3188R, G3165R, G3147R, G3298R.
Identifiers: ClinVar variation 656329 (VCV000656329.10), dbSNP rs372072627, ClinGen allele CA4924956.

ClinVar aggregate classification (germline): Uncertain significance. Review status: criteria provided, multiple submitters, no conflicts (2 of 4 stars). 3 submissions from 3 submitters: Uncertain significance (3). Last evaluated 2025-06-05.

Conditions:
Epidermolysis bullosa simplex 5C, with pyloric atresia (EBS5C). Also called: Epidermolysis bullosa simplex with pyloric atresia; PLEC-Related Epidermolysis Bullosa with Pyloric Atresia; PLEC1-Related Epidermolysis Bullosa with Pyloric Atresia. Identifiers: Orphanet 158684, MedGen C2677349, MONDO:0012807, OMIM 612138.
Epidermolysis bullosa simplex 5B, with muscular dystrophy (EBS5B). Also called: Epidermolysis bullosa simplex with muscular dystrophy; EPIDERMOLYSIS BULLOSA SIMPLEX AND LIMB-GIRDLE MUSCULAR DYSTROPHY. Identifiers: Orphanet 257, MedGen C2931072, MONDO:0009181, OMIM 226670.
Epidermolysis bullosa simplex, Ogna type (EBS5A). Also called: Pidermolysis bullosa simplex 5A, Ogna type; EPIDERMOLYSIS BULLOSA SIMPLEX 5A, OGNA TYPE. Identifiers: Orphanet 79401, MedGen C0432317, MONDO:0007555, OMIM 131950.
Epidermolysis bullosa simplex with nail dystrophy (EBS5D). Identifiers: MedGen C4225309, MONDO:0014661, OMIM 616487.
Autosomal recessive limb-girdle muscular dystrophy type 2Q (LGMDR17). Also called: MUSCULAR DYSTROPHY, LIMB-GIRDLE, AUTOSOMAL RECESSIVE 17. Identifiers: Orphanet 254361, MedGen C3150989, MONDO:0013390, OMIM 613723.

Allele frequency attached by ClinVar (database versions not stated): ExAC 0.00004; gnomAD 0.00004 and 0.00005; gnomAD exomes 0.00004 and 0.00007; TOPMed 0.00007; ESP Exome Variant Server 0.00008.
gnomAD v4.1: 103 of 1,593,982 alleles (0.0065%); highest among the groups gnomAD compares: Non-Finnish European, 0.0085%; no homozygotes.

Submissions (3):

Revvity Omics, Revvity
Classification: Uncertain significance. Last evaluated: 2025-06-05. Review status: criteria provided, single submitter. Criteria: ACMG Guidelines, 2015. Collection method: clinical testing. Allele origin: germline.

Labcorp Genetics (formerly Invitae), Labcorp
Classification: Uncertain significance for Autosomal recessive limb-girdle muscular dystrophy type 2Q; Epidermolysis bullosa simplex, Ogna type; Epidermolysis bullosa simplex with nail dystrophy; Epidermolysis bullosa simplex 5C, with pyloric atresia; Epidermolysis bullosa simplex 5B, with muscular dystrophy. Last evaluated: 2024-10-22. Review status: criteria provided, single submitter. Criteria: Invitae Variant Classification Sherloc (09022015). Collection method: clinical testing. Allele origin: germline.
Comment: This sequence change replaces glycine, which is neutral and non-polar, with arginine, which is basic and polar, at codon 3188 of the PLEC protein (p.Gly3188Arg). This variant is present in population databases (rs372072627, gnomAD 0.01%). This variant has not been reported in the literature in individuals affected with PLEC-related conditions. ClinVar contains an entry for this variant (Variation ID: 656329). An algorithm developed to predict the effect of missense changes on protein structure and function (PolyPhen-2) suggests that this variant is likely to be disruptive. In summary, the available evidence is currently insufficient to determine the role of this variant in disease. Therefore, it has been classified as a Variant of Uncertain Significance.

Athena Diagnostics
Classification: Uncertain significance. Last evaluated: 2024-07-11. Review status: criteria provided, single submitter. Criteria: Athena Diagnostics Criteria. Collection method: clinical testing. Allele origin: unknown.
Comment: Available data are insufficient to determine the clinical significance of the variant at this time. The frequency of this variant in the general population is uninformative in assessment of its pathogenicity. Polyphen and MutationTaster predict this amino acid change may be benign.